The following is an entry in ClinVar:

ClinVar aggregate classification (germline): Conflicting classifications of pathogenicity. Review status: criteria provided, conflicting classifications (1 of 4 stars). 4 submissions from 4 submitters: Uncertain significance (1); Likely benign (2). 1 of the submissions does not count toward it. Last evaluated 2026-07-01.

Conditions:
BLK-related disorder. Also called: BLK-related condition.

Allele frequency attached by ClinVar (database versions not stated): gnomAD 0.00003; TOPMed 0.00004.
gnomAD v4.1: 53 of 1,614,008 alleles (0.0033%); highest among the groups gnomAD compares: Middle Eastern, 0.099%; 1 homozygote.

Submissions (5):

CeGaT Center for Human Genetics Tuebingen
Classification: Likely benign. Last evaluated: 2026-07-01. Review status: criteria provided, single submitter. Criteria: CeGaT Center For Human Genetics Tuebingen Variant Classification Criteria Version 2. Collection method: clinical testing. Allele origin: germline. Affected: yes. Observed: 1 variant allele.
Comment: BLK: BP4, BP7

Ambry Genetics
Classification: Likely benign. Last evaluated: 2025-01-07. Review status: criteria provided, single submitter. Criteria: Ambry Variant Classification Scheme 2023. Collection method: clinical testing. Allele origin: germline.

Blueprint Genetics
Classification: Uncertain significance. Last evaluated: 2024-10-22. Review status: criteria provided, single submitter. Criteria: ACMG Guidelines, 2015. Collection method: clinical testing. Allele origin: germline.

PreventionGenetics, part of Exact Sciences
Classification: Likely benign for BLK-related condition. Last evaluated: 2020-07-15. Review status: no assertion criteria provided. Collection method: clinical testing. Allele origin: germline. Not counted in ClinVar's aggregate classification.
Comment: This variant is classified as likely benign based on ACMG/AMP sequence variant interpretation guidelines (Richards et al. 2015 PMID: 25741868, with internal and published modifications).

Dr. Peter K. Rogan Lab, Western University
No classification provided (evidence only). Condition: Thyroid cancer, nonmedullary, 1. Review status: no classification provided. Collection method: in vitro. Allele origin: not applicable. Functional consequence: retained intron. Not counted in ClinVar's aggregate classification.

NM_001715.3(BLK):c.759C>T (p.Gly253=)

Genes: BLK (BLK proto-oncogene, Src family tyrosine kinase), BLK-AS1 (BLK antisense RNA 1). Cytogenetic location: 8p23.1.
Variant type: single nucleotide variant.
Coding change: c.759C>T on transcript NM_001715.3 (MANE Select); coding-DNA position 759, C replaced by T.
Protein change: p.Gly253=; no amino-acid change (glycine 253 retained).
Molecular consequence: synonymous variant.
Genome position (GRCh38, 1-based): chr8:11,555,471, C>T. VCF-style: chr8-11555471-C-T. GRCh37 (hg19) VCF-style: chr8-11412980-C-T.
Other names: NC_000008.10:g.11412980C>T; c.546C>T, p.Gly182= (NM_001330465.2).
Identifiers: ClinVar variation 3047563 (VCV003047563.6), dbSNP rs773963245, ClinGen allele CA172083476.
Genomic context (GRCh38, chr8:11,555,471, plus strand): 5'-ATGGGAGATCCCCCGGCAGTCTCTCAGGCTGGTCAGGAAACTCGGGTCTGGACAATTCGG[C>T]GAAGTCTGGATGGGTGAGTGTGTGCACACGTGGGAGCATTTCTCCCCCCATTCCACCTGC-3'
Protein context (NP_001706.2, residues 243-263): LVRKLGSGQF[Gly253=]EVWMGYYKNN